The following is an entry in ClinVar:

NM_004646.4(NPHS1):c.1096A>C (p.Ser366Arg)

Gene: NPHS1 (NPHS1 adhesion molecule, nephrin; minus strand). Cytogenetic location: 19q13.12.
Variant type: single nucleotide variant.
Coding change: c.1096A>C on transcript NM_004646.4 (MANE Select); coding-DNA position 1096, A replaced by C.
Protein change: p.Ser366Arg; replaces serine 366 with arginine.
Molecular consequence: missense variant.
Genome position (GRCh38, 1-based): chr19:35,848,711, T>G on the plus strand (A>C on the coding strand, the complement: NPHS1 is on the minus strand). VCF-style: chr19-35848711-T-G. GRCh37 (hg19) VCF-style: chr19-36339613-T-G.
Other names: short protein forms S366R.
Identifiers: ClinVar variation 56420 (VCV000056420.22), dbSNP rs386833864, ClinGen allele CA250085.
Genomic context (GRCh38, chr19:35,848,711, plus strand): 5'-CCTCCATGGGCAGCAGCTGCCGCCAGCCCAGCCACCATCGTAGCAGAACCCGCGGGCGAC[T>G]GGACTTGCTGACACAGGAGAGTGTCACGTTCTTGTTCTCAGTCTGGGATGCAGATCCCAA-3'
Protein context (NP_004637.1, residues 356-376): NVTLSCVSKS[Ser366Arg]RPRVLLRWWL

ClinVar aggregate classification (germline): Pathogenic. Review status: criteria provided, multiple submitters, no conflicts (2 of 4 stars). 6 submissions from 6 submitters: Pathogenic (5). 1 of the submissions does not count toward it. Last evaluated 2025-07-07.

Conditions:
Finnish congenital nephrotic syndrome (NPHS1). Also called: NEPHROTIC SYNDROME, TYPE 1. Identifiers: Orphanet 839, MedGen C0403399, MONDO:0009732, OMIM 256300.

Allele frequency attached by ClinVar (database versions not stated): gnomAD exomes below 0.00001 and 0.00001.

Submissions (6):

Natera, Inc.
Classification: Pathogenic for Finnish congenital nephrotic syndrome. Last evaluated: 2025-07-07. Review status: criteria provided, single submitter. Criteria: Natera Variant Classification Schema (03/2026). Collection method: clinical testing. Allele origin: germline.
Comment: The c.1096A>C variant in NPHS1 is a missense variant predicted to cause substitution of serine to arginine at amino acid 366. This variant is rare in the general population with a frequency below the threshold expected for the associated phenotype(s). This variant has been observed in one or more individuals affected with the associated recessive disease, as either homozygous or compound heterozygous with a second variant (PMID: 20172850, 24371179, 20507940). Computational prediction algorithms indicate this variant is likely to affect gene or protein function. Given the available evidence, this variant is classified as Pathogenic.

Labcorp Genetics (formerly Invitae), Labcorp
Classification: Pathogenic. Last evaluated: 2025-04-17. Review status: criteria provided, single submitter. Criteria: Invitae Variant Classification Sherloc (09022015). Collection method: clinical testing. Allele origin: germline.
Comment: This sequence change replaces serine, which is neutral and polar, with arginine, which is basic and polar, at codon 366 of the NPHS1 protein (p.Ser366Arg). This variant is present in population databases (rs386833864, gnomAD 0.0009%). This missense change has been observed in individuals with NPHS1-related conditions (PMID: 9915943, 18709391, 20172850, 24371179, 24397250). ClinVar contains an entry for this variant (Variation ID: 56420). Invitae Evidence Modeling of protein sequence and biophysical properties (such as structural, functional, and spatial information, amino acid conservation, physicochemical variation, residue mobility, and thermodynamic stability) indicates that this missense variant is expected to disrupt NPHS1 protein function with a positive predictive value of 95%. Experimental studies have shown that this missense change affects NPHS1 function (PMID: 11726550, 18614772, 24303155). For these reasons, this variant has been classified as Pathogenic.

Fulgent Genetics
Classification: Pathogenic for Finnish congenital nephrotic syndrome. Last evaluated: 2024-03-25. Review status: criteria provided, single submitter. Criteria: ACMG Guidelines, 2015. Collection method: clinical testing. Allele origin: germline.

Women's Health and Genetics/Laboratory Corporation of America, LabCorp
Classification: Pathogenic for Finnish congenital nephrotic syndrome. Last evaluated: 2023-03-27. Review status: criteria provided, single submitter. Criteria: LabCorp Variant Classification Summary - May 2015. Collection method: clinical testing. Allele origin: germline.
Comment: Variant summary: NPHS1 c.1096A>C (p.Ser366Arg) results in a non-conservative amino acid change located in the Immunoglobulin subtype domain (IPR003599) of the encoded protein sequence. Five of five in-silico tools predict a damaging effect of the variant on protein function. The variant allele was found at a frequency of 4e-06 in 251380 control chromosomes. The available data on variant occurrences in the general population are insufficient to allow any conclusion about variant significance. c.1096A>C has been reported in the literature in multiple individuals affected with Nephrotic Syndrome, Type 1 (e.g., Lenkkeri_1999, Machuca_2010). These data indicate that the variant is very likely to be associated with disease. Several publications report experimental evidence evaluating an impact on protein function, finding that the variant disrupts protein localization and folding leading to retention and eventual degradation in the endoplasmic reticulum (e.g., Liu_2001, Drozova_2013, Yoshida_2021). Four ClinVar submitters (evaluation after 2014) have cited the variant, and all laboratories classified the variant as pathogenic. Based on the evidence outlined above, the variant was classified as pathogenic.

Centre for Mendelian Genomics, University Medical Centre Ljubljana
Classification: Pathogenic for Finnish congenital nephrotic syndrome. Last evaluated: 2020-03-26. Review status: criteria provided, single submitter. Criteria: ACMG Guidelines, 2015. Collection method: clinical testing. Allele origin: unknown. Affected: yes.
Comment: This variant was classified as: Pathogenic. The following ACMG criteria were applied in classifying this variant: PS3,PS4_MOD,PM2,PP2,PP3,PP4.

Juha Muilu Group; Institute for Molecular Medicine Finland (FIMM)
Classification: Likely pathogenic for Finnish congenital nephrotic syndrome. Review status: no assertion criteria provided. Collection method: not provided. Allele origin: unknown. Not counted in ClinVar's aggregate classification.
Comment: FinDis database variant: FinDis database variant: This variant was not found or characterized by our laboratory, data were collected from public sources: see reference
ClinVar note: Converted during submission from probable-pathogenic to Likely pathogenic.

Literature cited by the submitters: PubMed 20172850 (cited by Natera, Inc. and Labcorp Genetics (formerly Invitae), Labcorp); PubMed 24371179 (cited by Natera, Inc. and Labcorp Genetics (formerly Invitae), Labcorp); PubMed 20507940 (cited by Natera, Inc. and Women's Health and Genetics/Laboratory Corporation of America, LabCorp); PubMed 9915943 (cited by Labcorp Genetics (formerly Invitae), Labcorp and Women's Health and Genetics/Laboratory Corporation of America, LabCorp); PubMed 18709391 (cited by Labcorp Genetics (formerly Invitae), Labcorp); PubMed 24397250 (cited by Labcorp Genetics (formerly Invitae), Labcorp); PubMed 11726550 (cited by Labcorp Genetics (formerly Invitae), Labcorp and Women's Health and Genetics/Laboratory Corporation of America, LabCorp); PubMed 18614772 (cited by Labcorp Genetics (formerly Invitae), Labcorp); PubMed 24303155 (cited by Labcorp Genetics (formerly Invitae), Labcorp and Women's Health and Genetics/Laboratory Corporation of America, LabCorp); PubMed 33591954 (cited by Women's Health and Genetics/Laboratory Corporation of America, LabCorp).